The following is an entry in ClinVar:

ClinVar aggregate classification (germline): Uncertain significance (1 of 4 stars; one submission).

Conditions:
Immunodeficiency 104. Also called: Severe Combined Immune Deficiency, Autosomal Recessive, TCell -Negative, B Cell-Positive, NK Cell-Positive, IL7R-Related; Severe combined immunodeficiency, autosomal recessive, T cell-negative, B cell-positive, NK cell-positive; SCID, AUTOSOMAL RECESSIVE, T CELL-NEGATIVE, B CELL-POSITIVE, NK CELL-POSITIVE; IMMUNODEFICIENCY 104, SEVERE COMBINED. Identifiers: MedGen C5676890, MONDO:0012163, OMIM 608971.

Allele frequency attached by ClinVar (database versions not stated): gnomAD exomes below 0.00001 and 0.00001.
gnomAD v4.1: 3 of 1,609,882 alleles (0.00019%); highest among the groups gnomAD compares: South Asian, 0.0022%; no homozygotes.

Submission:

Labcorp Genetics (formerly Invitae), Labcorp
Classification: Uncertain significance for Immunodeficiency 104. Last evaluated: 2022-07-29. Review status: criteria provided, single submitter. Criteria: Invitae Variant Classification Sherloc (09022015). Collection method: clinical testing. Allele origin: germline.
Comment: This sequence change replaces aspartic acid, which is acidic and polar, with asparagine, which is neutral and polar, at codon 1002 of the PTPRC protein (p.Asp1002Asn). This variant is present in population databases (no rsID available, gnomAD 0.003%). This variant has not been reported in the literature in individuals affected with PTPRC-related conditions. ClinVar contains an entry for this variant (Variation ID: 1470352). Algorithms developed to predict the effect of missense changes on protein structure and function are either unavailable or do not agree on the potential impact of this missense change (SIFT: "Deleterious"; PolyPhen-2: "Possibly Damaging"; Align-GVGD: "Class C15"). In summary, the available evidence is currently insufficient to determine the role of this variant in disease. Therefore, it has been classified as a Variant of Uncertain Significance.

NM_002838.5(PTPRC):c.3004G>A (p.Asp1002Asn)

Gene: PTPRC (protein tyrosine phosphatase receptor type C; plus strand). Cytogenetic location: 1q32.1.
Variant type: single nucleotide variant.
Coding change: c.3004G>A on transcript NM_002838.5 (MANE Select); coding-DNA position 3004, G replaced by A.
Protein change: p.Asp1002Asn; replaces aspartic acid 1002 with asparagine.
Molecular consequence: missense variant.
Genome position (GRCh38, 1-based): chr1:198,749,481, G>A. VCF-style: chr1-198749481-G-A. GRCh37 (hg19) VCF-style: chr1-198718610-G-A.
Other names: c.2521G>A, p.Asp841Asn (NM_080921.4); short protein forms D1002N, D841N.
Identifiers: ClinVar variation 1470352 (VCV001470352.5), dbSNP rs1268528022, ClinGen allele CA344053223.